The following is an entry in ClinVar:

ClinVar aggregate classification (germline): Uncertain significance (1 of 4 stars; one submission).

Allele frequency attached by ClinVar (database versions not stated): ExAC 0.00001.
gnomAD v4.1: 2 of 1,612,804 alleles (0.00012%); highest among the groups gnomAD compares: Non-Finnish European, 0.00017%; no homozygotes.

Submission:

Ambry Genetics
Classification: Uncertain significance. Last evaluated: 2020-10-29. Review status: criteria provided, single submitter. Criteria: Ambry Variant Classification Scheme 2023. Collection method: clinical testing. Allele origin: germline.
Comment: The p.S280F variant (also known as c.839C>T), located in coding exon 6 of the RECQL gene, results from a C to T substitution at nucleotide position 839. The serine at codon 280 is replaced by phenylalanine, an amino acid with highly dissimilar properties. This amino acid position is highly conserved in available vertebrate species. In addition, the in silico prediction for this alteration is inconclusive. Since supporting evidence is limited at this time, the clinical significance of this alteration remains unclear.

NM_002907.4(RECQL):c.839C>T (p.Ser280Phe)

Gene: RECQL (RecQ like helicase; minus strand). Cytogenetic location: 12p12.1.
Variant type: single nucleotide variant.
Coding change: c.839C>T on transcript NM_002907.4 (MANE Select); coding-DNA position 839, C replaced by T.
Protein change: p.Ser280Phe; replaces serine 280 with phenylalanine.
Molecular consequence: missense variant.
Genome position (GRCh38, 1-based): chr12:21,477,831, G>A on the plus strand (C>T on the coding strand, the complement: RECQL is on the minus strand). VCF-style: chr12-21477831-G-A. GRCh37 (hg19) VCF-style: chr12-21630765-G-A.
Other names: c.839C>T, p.Ser280Phe (NM_032941.3); short protein forms S280F.
Identifiers: ClinVar variation 1763221 (VCV001763221.2), dbSNP rs748146458, ClinGen allele CA6478965.